The following is an entry in ClinVar:

NM_014874.4(MFN2):c.332C>T (p.Thr111Ile)

Gene: MFN2 (mitofusin 2; plus strand). Cytogenetic location: 1p36.22.
Variant type: single nucleotide variant.
Coding change: c.332C>T on transcript NM_014874.4 (MANE Select); coding-DNA position 332, C replaced by T.
Protein change: p.Thr111Ile; replaces threonine 111 with isoleucine.
Molecular consequence: missense variant.
Genome position (GRCh38, 1-based): chr1:11,996,176, C>T. VCF-style: chr1-11996176-C-T. GRCh37 (hg19) VCF-style: chr1-12056233-C-T.
Other names: c.332C>T, p.Thr111Ile (NM_001127660.2); short protein forms T111I.
Identifiers: ClinVar variation 1038044 (VCV001038044.8), dbSNP rs1638898105, ClinGen allele CA338434007.

ClinVar aggregate classification (germline): Uncertain significance (1 of 4 stars; one submission).

Conditions:
Charcot-Marie-Tooth disease type 2. Also called: Charcot-Marie-Tooth type 2. Identifiers: Orphanet 64746, MedGen C0270914, MONDO:0018993.

Submission:

Labcorp Genetics (formerly Invitae), Labcorp
Classification: Uncertain significance for Charcot-Marie-Tooth disease type 2. Last evaluated: 2020-10-15. Review status: criteria provided, single submitter. Criteria: Invitae Variant Classification Sherloc (09022015). Collection method: clinical testing. Allele origin: germline.
Comment: This variant has not been reported in the literature in individuals with MFN2-related conditions. In summary, the available evidence is currently insufficient to determine the role of this variant in disease. Therefore, it has been classified as a Variant of Uncertain Significance. Advanced modeling of protein sequence and biophysical properties (such as structural, functional, and spatial information, amino acid conservation, physicochemical variation, residue mobility, and thermodynamic stability) performed at Invitae indicates that this missense variant is expected to disrupt MFN2 protein function. This variant is not present in population databases (ExAC no frequency). This sequence change replaces threonine with isoleucine at codon 111 of the MFN2 protein (p.Thr111Ile). The threonine residue is moderately conserved and there is a moderate physicochemical difference between threonine and isoleucine.